The following is an entry in ClinVar:

ClinVar aggregate classification (germline): Uncertain significance (1 of 4 stars; one submission).

Submission:

GeneDx
Classification: Uncertain significance. Last evaluated: 2019-05-31. Review status: criteria provided, single submitter. Criteria: GeneDx Variant Classification Process June 2021. Collection method: clinical testing. Allele origin: germline. Affected: yes.
Comment: Not observed in large population cohorts (Lek et al., 2016); In silico analysis, which includes protein predictors and evolutionary conservation, supports that this variant does not alter protein structure/function; Has not been previously published as pathogenic or benign to our knowledge

NM_003560.4(PLA2G6):c.990C>A (p.Phe330Leu)

Gene: PLA2G6 (phospholipase A2 group VI; minus strand). Cytogenetic location: 22q13.1.
Variant type: single nucleotide variant.
Coding change: c.990C>A on transcript NM_003560.4 (MANE Select); coding-DNA position 990, C replaced by A.
Protein change: p.Phe330Leu; replaces phenylalanine 330 with leucine.
Molecular consequence: missense variant.
Genome position (GRCh38, 1-based): chr22:38,132,918, G>T on the plus strand (C>A on the coding strand, the complement: PLA2G6 is on the minus strand). VCF-style: chr22-38132918-G-T. GRCh37 (hg19) VCF-style: chr22-38528925-G-T.
Other names: c.990C>A, p.Phe330Leu (NM_001004426.3, NM_001199562.3, NM_001349864.2 and 2 more transcripts); c.456C>A, p.Phe152Leu (NM_001349867.2, NM_001349869.2); c.312C>A, p.Phe104Leu (NM_001349868.2); short protein forms F104L, F152L, F330L.
Identifiers: ClinVar variation 1306142 (VCV001306142.2), dbSNP rs146241431, ClinGen allele CA411530781.